The following is an entry in ClinVar:

ClinVar aggregate classification (germline): Likely pathogenic (1 of 4 stars; one submission).

Submission:

GeneDx
Classification: Likely pathogenic. Last evaluated: 2024-11-07. Review status: criteria provided, single submitter. Criteria: GeneDx Variant Classification Process June 2021. Collection method: clinical testing. Allele origin: germline.
Comment: Frameshift variant predicted to result in protein truncation or nonsense mediated decay in a gene for which loss of function is a known mechanism of disease; Not observed at significant frequency in large population cohorts (gnomAD); Has not been previously published as pathogenic or benign to our knowledge

NM_015030.2(FRYL):c.4065del (p.Trp1356fs)

Gene: FRYL (FRY like transcription coactivator; minus strand). Cytogenetic location: 4p11.
Variant type: Deletion.
Coding change: c.4065del on transcript NM_015030.2 (MANE Select); coding-DNA position 4065, one base deleted (A; older notation c.4065delA).
Protein change: p.Trp1356fs; shifts the reading frame from tryptophan 1356.
Molecular consequence: frameshift variant.
Genome position (GRCh38, 1-based): chr4:48,557,513, T deleted on the plus strand (A on the coding strand, the reverse complement: FRYL is on the minus strand). VCF-style (leftmost placement, unchanged base first): chr4-48557512-AT-A. GRCh37 (hg19) VCF-style: chr4-48559529-AT-A.
Other names: short protein forms W1356fs.
Identifiers: ClinVar variation 3342829 (VCV003342829.2).